The following is an entry in ClinVar:

NM_001395413.1(POR):c.421G>A (p.Gly141Ser)

Gene: POR (cytochrome p450 oxidoreductase; plus strand). Cytogenetic location: 7q11.23.
Variant type: single nucleotide variant.
Coding change: c.421G>A on transcript NM_001395413.1 (MANE Select); coding-DNA position 421, G replaced by A.
Protein change: p.Gly141Ser; replaces glycine 141 with serine.
Molecular consequence: missense variant.
Genome position (GRCh38, 1-based): chr7:75,980,402, G>A. VCF-style: chr7-75980402-G-A. GRCh37 (hg19) VCF-style: chr7-75609720-G-A.
Other names: c.421G>A, p.Gly141Ser (NM_001367562.3, NM_001382657.2, NM_001382658.3 and 2 more transcripts); c.475G>A, p.Gly159Ser (NM_001382655.3); c.430G>A (NM_000941.2); short protein forms G141S, G159S.
Identifiers: ClinVar variation 3897246 (VCV003897246.1).

ClinVar aggregate classification (germline): Uncertain significance (1 of 4 stars; one submission).

Submission:

GeneDx
Classification: Uncertain significance. Last evaluated: 2024-10-30. Review status: criteria provided, single submitter. Criteria: GeneDx Variant Classification Process June 2021. Collection method: clinical testing. Allele origin: germline. Affected: yes.
Comment: In silico analysis supports that this missense variant has a deleterious effect on protein structure/function; Reported along with a second variant in the POR gene in a patient with primary amenorrhea in the published literature; however, segregation information was not provided (PMID: 28459039); This variant is associated with the following publications: (PMID: 28459039)